The following is an entry in ClinVar:

NM_173689.7(CRB2):c.2821G>A (p.Gly941Ser)

Gene: CRB2 (crumbs cell polarity complex component 2; plus strand). Cytogenetic location: 9q33.3.
Variant type: single nucleotide variant.
Coding change: c.2821G>A on transcript NM_173689.7 (MANE Select); coding-DNA position 2821, G replaced by A.
Protein change: p.Gly941Ser; replaces glycine 941 with serine.
Molecular consequence: missense variant. On other transcripts: non-coding transcript variant (1).
Genome position (GRCh38, 1-based): chr9:123,373,352, G>A. VCF-style: chr9-123373352-G-A. GRCh37 (hg19) VCF-style: chr9-126135631-G-A.
Other names: c.2821G>A (NM_173689.5); short protein forms G941S.
Identifiers: ClinVar variation 1461533 (VCV001461533.10), dbSNP rs780391222, ClinGen allele CA5232298.

ClinVar aggregate classification (germline): Uncertain significance. Review status: criteria provided, multiple submitters, no conflicts (2 of 4 stars). 5 submissions from 5 submitters: Uncertain significance (5). Last evaluated 2025-06-12.

Conditions:
Ventriculomegaly-cystic kidney disease. Also called: Ventriculomegaly with cystic kidney disease. Identifiers: Orphanet 443988, MedGen C1857423, MONDO:0009063, OMIM 219730.
Focal segmental glomerulosclerosis 9 (FSGS9). Identifiers: Orphanet 656, MedGen C4015555, MONDO:0014539, OMIM 616220.
Inborn genetic diseases. Identifiers: MedGen C0950123, MeSH D030342.

Allele frequency attached by ClinVar (database versions not stated): ExAC 0.00019; TOPMed 0.00021; gnomAD exomes 0.00027; gnomAD 0.00029 and 0.00030.
gnomAD v4.1: 776 of 1,435,872 alleles (0.054%); highest among the groups gnomAD compares: Non-Finnish European, 0.067%; no homozygotes.

Submissions (5):

Labcorp Genetics (formerly Invitae), Labcorp
Classification: Uncertain significance. Last evaluated: 2025-06-12. Review status: criteria provided, single submitter. Criteria: Invitae Variant Classification Sherloc (09022015). Collection method: clinical testing. Allele origin: germline.
Comment: This sequence change replaces glycine, which is neutral and non-polar, with serine, which is neutral and polar, at codon 941 of the CRB2 protein (p.Gly941Ser). The frequency data for this variant in the population databases is considered unreliable, as metrics indicate poor data quality at this position in the gnomAD database. This variant has not been reported in the literature in individuals affected with CRB2-related conditions. ClinVar contains an entry for this variant (Variation ID: 1461533). Invitae Evidence Modeling of protein sequence and biophysical properties (such as structural, functional, and spatial information, amino acid conservation, physicochemical variation, residue mobility, and thermodynamic stability) indicates that this missense variant is not expected to disrupt CRB2 protein function with a negative predictive value of 95%. In summary, the available evidence is currently insufficient to determine the role of this variant in disease. Therefore, it has been classified as a Variant of Uncertain Significance.

Blueprint Genetics
Classification: Uncertain significance. Last evaluated: 2024-09-23. Review status: criteria provided, single submitter. Criteria: ACMG Guidelines, 2015. Collection method: clinical testing. Allele origin: germline.

Fulgent Genetics
Classification: Uncertain significance for Ventriculomegaly-cystic kidney disease; Focal segmental glomerulosclerosis 9. Last evaluated: 2022-02-18. Review status: criteria provided, single submitter. Criteria: ACMG Guidelines, 2015. Collection method: clinical testing. Allele origin: unknown.

Ambry Genetics
Classification: Uncertain significance for Inborn genetic diseases. Last evaluated: 2021-05-01. Review status: criteria provided, single submitter. Criteria: Ambry Variant Classification Scheme 2023. Collection method: clinical testing. Allele origin: germline.

Breakthrough Genomics
Classification: Uncertain significance. Review status: criteria provided, single submitter. Criteria: ACMG Guidelines, 2015. Collection method: not provided. Allele origin: germline. Inheritance: Autosomal recessive inheritance. Affected: yes.